The following is an entry in ClinVar:

NC_000011.9:g.(?_108156908)_108160358del

Gene: ATM (ATM serine/threonine kinase; plus strand).
Variant type: Deletion.
Identifiers: ClinVar variation 1075720 (VCV001075720.2).

ClinVar aggregate classification (germline): Pathogenic (1 of 4 stars; one submission).

Conditions:
Ataxia-telangiectasia syndrome (AT). Also called: Cerebello-oculocutaneous telangiectasia; Immunodeficiency with ataxia telangiectasia; ATAXIA-TELANGIECTASIA, FRESNO VARIANT; Ataxia-telangiectasia, complementation group D; Ataxia telangiectasia (A-T); LOUIS-BAR SYNDROME. Identifiers: Orphanet 100, MedGen C0004135, MONDO:0008840, OMIM 208900.

Submission:

Labcorp Genetics (formerly Invitae), Labcorp
Classification: Pathogenic for Ataxia-telangiectasia syndrome. Last evaluated: 2020-10-19. Review status: criteria provided, single submitter. Criteria: Invitae Variant Classification Sherloc (09022015). Collection method: clinical testing. Allele origin: germline.
Comment: This variant results in the deletion of exons 27-28 and part of exon 29 (c.3994-1418_4267del) of the ATM gene. It is expected to disrupt RNA splicing. Variants that disrupt the donor or acceptor splice site typically lead to a loss of protein function (PMID: 16199547), and loss-of-function variants in ATM are known to be pathogenic (PMID: 23807571, 25614872). This variant has been observed in individual(s) with autosomal recessive ataxia-telangiectasia (PMID: 12815592). This variant is also known as IVS28+1711del3450 and c.3994-1415_4270del, and has been described as a deletion of exons 29-30 and part of exon 31 in the literature. Exons 27, 28 and 29 are also known as exons 29, 30 and 31. For these reasons, this variant has been classified as Pathogenic.

Literature cited by the submitters: PubMed 16199547; PubMed 23807571; PubMed 25614872; PubMed 12815592.